The following is an entry in ClinVar:

ClinVar aggregate classification (germline): Likely benign (1 of 4 stars; one submission).

gnomAD v4.1: 24 of 1,613,218 alleles (0.0015%); highest among the groups gnomAD compares: African/African-American, 0.0053%; no homozygotes.

Submission:

CeGaT Center for Human Genetics Tuebingen
Classification: Likely benign. Last evaluated: 2022-12-01. Review status: criteria provided, single submitter. Criteria: CeGaT Center For Human Genetics Tuebingen Variant Classification Criteria Version 2. Collection method: clinical testing. Allele origin: germline. Affected: yes. Observed: 1 variant allele.
Comment: SCAP: BP7

NM_012235.4(SCAP):c.3327G>A (p.Ser1109=)

Gene: SCAP (SREBF chaperone; minus strand). Cytogenetic location: 3p21.31.
Variant type: single nucleotide variant.
Coding change: c.3327G>A on transcript NM_012235.4 (MANE Select); coding-DNA position 3327, G replaced by A.
Protein change: p.Ser1109=; no amino-acid change (serine 1109 retained).
Molecular consequence: synonymous variant.
Genome position (GRCh38, 1-based): chr3:47,414,632, C>T on the plus strand (G>A on the coding strand, the complement: SCAP is on the minus strand). VCF-style: chr3-47414632-C-T. GRCh37 (hg19) VCF-style: chr3-47456122-C-T.
Other names: c.2559G>A, p.Ser853= (NM_001320044.2).
Identifiers: ClinVar variation 2653761 (VCV002653761.24), dbSNP rs140861904, ClinGen allele CA2366897.